The following is an entry in ClinVar:

NM_001048166.1(STIL):c.2542G>A (p.Val848Ile)

Gene: STIL (STIL centriolar assembly protein; minus strand). Cytogenetic location: 1p33.
Variant type: single nucleotide variant.
Coding change: c.2542G>A on transcript NM_001048166.1 (MANE Select); coding-DNA position 2542, G replaced by A.
Protein change: p.Val848Ile; replaces valine 848 with isoleucine.
Molecular consequence: missense variant.
Genome position (GRCh38, 1-based): chr1:47,269,708, C>T on the plus strand (G>A on the coding strand, the complement: STIL is on the minus strand). VCF-style: chr1-47269708-C-T. GRCh37 (hg19) VCF-style: chr1-47735380-C-T.
Other names: c.2542G>A, p.Val848Ile (NM_001282936.1, NM_001282937.1, NM_003035.2); c.2401G>A, p.Val801Ile (NM_001282938.1, NM_001282939.1); short protein forms V848I, V801I.
Identifiers: ClinVar variation 160056 (VCV000160056.15), dbSNP rs587784449, ClinGen allele CA272667.

ClinVar aggregate classification (germline): Uncertain significance. Review status: criteria provided, multiple submitters, no conflicts (2 of 4 stars). 5 submissions from 5 submitters: Uncertain significance (5). Last evaluated 2025-07-24.

Conditions:
Inborn genetic diseases. Identifiers: MedGen C0950123, MeSH D030342.
Microcephaly 7, primary, autosomal recessive. Identifiers: Orphanet 2512, MedGen C2675187, MONDO:0012989, OMIM 612703.

Allele frequency attached by ClinVar (database versions not stated): TOPMed below 0.00001; gnomAD 0.00001; gnomAD exomes 0.00001.
gnomAD v4.1: 12 of 1,614,060 alleles (0.00074%); highest among the groups gnomAD compares: Admixed American, 0.0083%; 1 homozygote.

Submissions (5):

Women's Health and Genetics/Laboratory Corporation of America, LabCorp
Classification: Uncertain significance. Last evaluated: 2025-07-24. Review status: criteria provided, single submitter. Criteria: LabCorp Variant Classification Summary - May 2015. Collection method: clinical testing. Allele origin: germline.
Comment: Variant summary: STIL c.2542G>A (p.Val848Ile) results in a conservative amino acid change in the encoded protein sequence. Algorithms developed to predict the effect of missense changes on protein structure and function are either unavailable or do not agree on the potential impact of this missense change. The variant allele was found at a frequency of 7.5e-06 in 1607064 control chromosomes in the gnomAD database, including 1 homozygote. This frequency is not higher than the maximum estimated for a pathogenic variant in STIL causing Microcephaly 7, Primary, Autosomal Recessive, allowing no conclusion about variant significance. To our knowledge, no occurrence of c.2542G>A in individuals affected with Microcephaly 7, Primary, Autosomal Recessive and no experimental evidence demonstrating its impact on protein function have been reported. ClinVar contains an entry for this variant (Variation ID: 160056). Based on the evidence outlined above, the variant was classified as uncertain significance.

Labcorp Genetics (formerly Invitae), Labcorp
Classification: Uncertain significance. Last evaluated: 2023-08-22. Review status: criteria provided, single submitter. Criteria: Invitae Variant Classification Sherloc (09022015). Collection method: clinical testing. Allele origin: germline.
Comment: This variant has not been reported in the literature in individuals affected with STIL-related conditions. In summary, the available evidence is currently insufficient to determine the role of this variant in disease. Therefore, it has been classified as a Variant of Uncertain Significance. Advanced modeling of protein sequence and biophysical properties (such as structural, functional, and spatial information, amino acid conservation, physicochemical variation, residue mobility, and thermodynamic stability) performed at Invitae indicates that this missense variant is expected to disrupt STIL protein function. ClinVar contains an entry for this variant (Variation ID: 160056). This variant is present in population databases (rs587784449, gnomAD 0.009%). This sequence change replaces valine, which is neutral and non-polar, with isoleucine, which is neutral and non-polar, at codon 848 of the STIL protein (p.Val848Ile).

Ambry Genetics
Classification: Uncertain significance for Inborn genetic diseases. Last evaluated: 2021-05-27. Review status: criteria provided, single submitter. Criteria: Ambry Variant Classification Scheme 2023. Collection method: clinical testing. Allele origin: germline.

Eurofins Ntd Llc (ga)
Classification: Uncertain significance. Last evaluated: 2017-03-30. Review status: criteria provided, single submitter. Criteria: EGL Classification Definitions 2015. Collection method: clinical testing. Allele origin: germline. Observed: 1 variant allele, 1 heterozygote.

Genetic Services Laboratory, University of Chicago
Classification: Uncertain significance for Microcephaly 7, primary, autosomal recessive. Last evaluated: 2013-02-08. Review status: criteria provided, single submitter. Criteria: ACMG Guidelines, 2007. Collection method: clinical testing. Allele origin: germline. Inheritance: Autosomal recessive inheritance.